The following is an entry in ClinVar:

NM_016222.4(DDX41):c.584G>A (p.Gly195Asp)

Gene: DDX41 (DEAD-box helicase 41; minus strand). Cytogenetic location: 5q35.3.
Variant type: single nucleotide variant.
Coding change: c.584G>A on transcript NM_016222.4 (MANE Select); coding-DNA position 584, G replaced by A.
Protein change: p.Gly195Asp; replaces glycine 195 with aspartic acid.
Molecular consequence: missense variant.
Genome position (GRCh38, 1-based): chr5:177,515,246, C>T on the plus strand (G>A on the coding strand, the complement: DDX41 is on the minus strand). VCF-style: chr5-177515246-C-T. GRCh37 (hg19) VCF-style: chr5-176942247-C-T.
Other names: c.206G>A, p.Gly69Asp (NM_001321732.2, NM_001321830.2); short protein forms G195D, G69D.
Identifiers: ClinVar variation 5035136 (VCV005035136.1).
Genomic context (GRCh38, chr5:177,515,246, plus strand): 5'-ATGGTGGGGATGCCCTGGATCTGAATGGGTGTTGGGTGGTGAATGCCTTTCTTCTTCAGG[C>T]CTCTCAGGATGGCTATGAAAACCAACCGACATCGTCTTCATGACTCACAGGTACTTTCTC-3'
Protein context (NP_057306.2, residues 185-205): EMKFPAAILR[Gly195Asp]LKKKGIHHPT

ClinVar aggregate classification (germline): Uncertain significance (1 of 4 stars; one submission).

Conditions:
Inborn genetic diseases. Identifiers: MedGen C0950123, MeSH D030342.

Submission:

Ambry Genetics
Classification: Uncertain significance for Inborn genetic diseases. Last evaluated: 2026-06-26. Review status: criteria provided, single submitter. Criteria: Ambry Variant Classification Scheme 2023. Collection method: clinical testing. Allele origin: germline.
Comment: The p.G195D variant (also known as c.584G>A), located in coding exon 7 of the DDX41 gene, results from a G to A substitution at nucleotide position 584. The glycine at codon 195 is replaced by aspartic acid, an amino acid with similar properties. This amino acid position is highly conserved in available vertebrate species. In addition, the in silico prediction for this alteration is inconclusive. Based on the available evidence, the clinical significance of this variant remains unclear.